The following is an entry in ClinVar:

ClinVar aggregate classification (germline): Likely pathogenic (1 of 4 stars; one submission).

Conditions:
Cardiomyopathy, familial hypertrophic 27. Identifiers: MedGen C4748014, MONDO:0054838, OMIM 618052.

Submission:

3billion
Classification: Likely pathogenic for Cardiomyopathy, familial hypertrophic 27. Last evaluated: 2025-05-29. Review status: criteria provided, single submitter. Criteria: ACMG Guidelines, 2015. Collection method: clinical testing. Allele origin: germline. Affected: yes.
Comment: The variant is not observed in the gnomAD v4.1.0 dataset. Predicted Consequence/Location: Stop-gained (nonsense): predicted to result in a loss or disruption of normal protein function through nonsense-mediated decay (NMD) or protein truncation. Multiple pathogenic variants are reported downstream of the variant. Therefore, this variant is classified as Likely pathogenic according to the recommendation of ACMG/AMP guideline.

NM_020778.5(ALPK3):c.4684C>T (p.Gln1562Ter)

Gene: ALPK3 (alpha kinase 3; plus strand). Cytogenetic location: 15q25.3.
Variant type: single nucleotide variant.
Coding change: c.4684C>T on transcript NM_020778.5 (MANE Select); coding-DNA position 4684, C replaced by T.
Protein change: p.Gln1562Ter; replaces glutamine 1562 with a stop codon.
Molecular consequence: nonsense.
Genome position (GRCh38, 1-based): chr15:84,864,626, C>T. VCF-style: chr15-84864626-C-T. GRCh37 (hg19) VCF-style: chr15-85407857-C-T.
Other names: short protein forms Q1562*.
Identifiers: ClinVar variation 4855769 (VCV004855769.1).
Genomic context (GRCh38, chr15:84,864,626, plus strand): 5'-ACAGCATCTGGCAGCTCTGAGGCCATGCAGAAATGCCAGACCTTCCAACACTGGCTGTAT[C>T]AGTGGACAAATGGCAGCTTCCTTGTCACAGACTTGGCAGGTACGAGGGTGTGAGGGTGCA-3'